The following is an entry in ClinVar:

ClinVar aggregate classification (germline): Uncertain significance. Review status: criteria provided, multiple submitters, no conflicts (2 of 4 stars). 4 submissions from 4 submitters: Uncertain significance (2). 2 of the submissions do not count toward it. Last evaluated 2025-02-03.

Conditions:
Usher syndrome type 1 (USH1). Also called: RETINITIS PIGMENTOSA AND CONGENITAL DEAFNESS. Identifiers: Orphanet 231169, Orphanet 886, MedGen C1568247, MONDO:0010168, OMIM 276900.
CDH23-related disorder. Also called: CDH23-related condition; CDH23-related disorders.

Allele frequency attached by ClinVar (database versions not stated): gnomAD 0.00009 and 0.00008; gnomAD exomes 0.00002 and below 0.00001; TOPMed 0.00008; ExAC 0.00003.
gnomAD v4.1: 16 of 1,609,616 alleles (0.00099%); highest among the groups gnomAD compares: African/African-American, 0.017%; no homozygotes.

Submissions (4):

Labcorp Genetics (formerly Invitae), Labcorp
Classification: Uncertain significance. Last evaluated: 2025-02-03. Review status: criteria provided, single submitter. Criteria: Invitae Variant Classification Sherloc (09022015). Collection method: clinical testing. Allele origin: germline.
Comment: This sequence change falls in intron 61 of the CDH23 gene. It does not directly change the encoded amino acid sequence of the CDH23 protein. It affects a nucleotide within the consensus splice site. This variant is present in population databases (rs775540400, gnomAD 0.03%). This variant has not been reported in the literature in individuals affected with CDH23-related conditions. ClinVar contains an entry for this variant (Variation ID: 1023526). Variants that disrupt the consensus splice site are a relatively common cause of aberrant splicing (PMID: 17576681, 9536098). Algorithms developed to predict the effect of sequence changes on RNA splicing suggest that this variant is not likely to affect RNA splicing. In summary, the available evidence is currently insufficient to determine the role of this variant in disease. Therefore, it has been classified as a Variant of Uncertain Significance.

Women's Health and Genetics/Laboratory Corporation of America, LabCorp
Classification: Uncertain significance. Last evaluated: 2024-08-31. Review status: criteria provided, single submitter. Criteria: LabCorp Variant Classification Summary - May 2015. Collection method: clinical testing. Allele origin: germline.

PreventionGenetics, part of Exact Sciences
Classification: Likely benign for CDH23-related condition. Last evaluated: 2020-05-11. Review status: no assertion criteria provided. Collection method: clinical testing. Allele origin: germline. Not counted in ClinVar's aggregate classification.
Comment: This variant is classified as likely benign based on ACMG/AMP sequence variant interpretation guidelines (Richards et al. 2015 PMID: 25741868, with internal and published modifications).

Natera, Inc.
Classification: Uncertain significance for Usher syndrome type 1. Last evaluated: 2020-03-09. Review status: no assertion criteria provided. Collection method: clinical testing. Allele origin: germline. Not counted in ClinVar's aggregate classification.

Literature cited by the submitters: PubMed 17576681 (cited by Labcorp Genetics (formerly Invitae), Labcorp); PubMed 9536098 (cited by Labcorp Genetics (formerly Invitae), Labcorp).

NM_022124.6(CDH23):c.8979+4C>T

Gene: CDH23 (cadherin related 23; plus strand). Cytogenetic location: 10q22.1.
Variant type: single nucleotide variant.
Coding change: c.8979+4C>T on transcript NM_022124.6 (MANE Select); 4 bases into the intron after coding-DNA position 8979, C replaced by T.
Molecular consequence: intron variant.
Genome position (GRCh38, 1-based): chr10:71,810,080, C>T. VCF-style: chr10-71810080-C-T. GRCh37 (hg19) VCF-style: chr10-73569837-C-T.
Other names: c.2259+4C>T (NM_001171933.1, NM_001171934.1); c.8979+4C>T (NM_022124.5).
Identifiers: ClinVar variation 1023526 (VCV001023526.8), dbSNP rs775540400, ClinGen allele CA5546801.